The following is an entry in ClinVar:

ClinVar aggregate classification (germline): Benign/Likely benign. Review status: criteria provided, multiple submitters, no conflicts (2 of 4 stars). 4 submissions from 4 submitters: Benign (1); Likely benign (3). Last evaluated 2025-12-01.

Conditions:
Hereditary spherocytosis type 1. Also called: Spherocytosis type 1; ANK1-Related Spherocytosis. Identifiers: Orphanet 822, MedGen C2674218, MONDO:0008447, OMIM 182900.

Allele frequency attached by ClinVar (database versions not stated): gnomAD exomes 0.00009 and 0.00010; ExAC 0.00010; gnomAD 0.00011 and 0.00009; 1000 Genomes Project 30x 0.00016; 1000 Genomes Project 0.00020; TOPMed 0.00007.
gnomAD v4.1: 144 of 1,613,808 alleles (0.0089%); highest among the groups gnomAD compares: East Asian, 0.027%; no homozygotes.

Submissions (4):

CeGaT Center for Human Genetics Tuebingen
Classification: Likely benign. Last evaluated: 2025-12-01. Review status: criteria provided, single submitter. Criteria: CeGaT Center For Human Genetics Tuebingen Variant Classification Criteria Version 2. Collection method: clinical testing. Allele origin: germline. Affected: yes. Observed: 3 variant alleles.
Comment: ANK1: BP4, BP7

Laboratory of Genetics, Children's Clinical University Hospital Latvia
Classification: Benign. Last evaluated: 2025-02-16. Review status: criteria provided, single submitter. Criteria: ACMG Guidelines, 2015. Collection method: clinical testing. Allele origin: germline. Affected: yes.

Blueprint Genetics
Classification: Likely benign. Last evaluated: 2024-10-15. Review status: criteria provided, single submitter. Criteria: ACMG Guidelines, 2015. Collection method: clinical testing. Allele origin: germline.

ARUP Laboratories, Molecular Genetics and Genomics, ARUP Laboratories
Classification: Likely benign for Hereditary spherocytosis type 1. Last evaluated: 2024-10-11. Review status: criteria provided, single submitter. Criteria: ARUP Molecular Germline Variant Investigation Process 2024. Collection method: clinical testing. Allele origin: germline.

NM_000037.4(ANK1):c.4458C>T (p.Ser1486=)

Genes: ANK1 (ankyrin 1; minus strand), LOC126860368 (BRD4-independent group 4 enhancer GRCh37_chr8:41541049-41542248; plus strand). Cytogenetic location: 8p11.21.
Variant type: single nucleotide variant.
Coding change: c.4458C>T on transcript NM_000037.4 (MANE Select); coding-DNA position 4458, C replaced by T.
Protein change: p.Ser1486=; no amino-acid change (serine 1486 retained).
Molecular consequence: synonymous variant.
Genome position (GRCh38, 1-based): chr8:41,684,623, G>A on the plus strand (C>T on the coding strand, the complement: ANK1 is on the minus strand). VCF-style: chr8-41684623-G-A. GRCh37 (hg19) VCF-style: chr8-41542141-G-A.
Other names: c.4581C>T, p.Ser1527= (NM_001142446.2); c.4458C>T, p.Ser1486= (NM_020475.3, NM_020476.3, NM_020477.3).
Identifiers: ClinVar variation 1013028 (VCV001013028.41), dbSNP rs200752263, ClinGen allele CA4727548.
Genomic context (GRCh38, chr8:41,684,623, plus strand): 5'-CAGCGAGTAGTCGCGGTCGGTGTGCCGCCTGTCTGGCTTCAAGTTGCGGCTCTGTCGGCC[G>A]GAACCCTCCAGCATGTTCACGATCTCGCCACGGTCAATGCTCTGCAGGGCTGTGTACAGA-3'
Protein context (NP_000028.3, residues 1476-1496): RGEIVNMLEG[Ser1486=]GRQSRNLKPD